The following is an entry in ClinVar:

ClinVar aggregate classification (germline): Uncertain significance (1 of 4 stars; one submission).

Conditions:
Primary ciliary dyskinesia. Also called: Ciliary dyskinesia. Identifiers: Orphanet 244, MedGen C0008780, MONDO:0016575, HP:0012265.

Submission:

Labcorp Genetics (formerly Invitae), Labcorp
Classification: Uncertain significance for Primary ciliary dyskinesia. Last evaluated: 2023-09-25. Review status: criteria provided, single submitter. Criteria: Invitae Variant Classification Sherloc (09022015). Collection method: clinical testing. Allele origin: germline.
Comment: This variant has not been reported in the literature in individuals affected with DNAH5-related conditions. In summary, the available evidence is currently insufficient to determine the role of this variant in disease. Therefore, it has been classified as a Variant of Uncertain Significance. Advanced modeling of protein sequence and biophysical properties (such as structural, functional, and spatial information, amino acid conservation, physicochemical variation, residue mobility, and thermodynamic stability) performed at Invitae indicates that this missense variant is not expected to disrupt DNAH5 protein function. This variant is not present in population databases (gnomAD no frequency). This sequence change replaces lysine, which is basic and polar, with arginine, which is basic and polar, at codon 3019 of the DNAH5 protein (p.Lys3019Arg).

NM_001369.3(DNAH5):c.9056A>G (p.Lys3019Arg)

Gene: DNAH5 (dynein axonemal heavy chain 5; minus strand). Cytogenetic location: 5p15.2.
Variant type: single nucleotide variant.
Coding change: c.9056A>G on transcript NM_001369.3 (MANE Select); coding-DNA position 9056, A replaced by G.
Protein change: p.Lys3019Arg; replaces lysine 3019 with arginine.
Molecular consequence: missense variant.
Genome position (GRCh38, 1-based): chr5:13,777,251, T>C on the plus strand (A>G on the coding strand, the complement: DNAH5 is on the minus strand). VCF-style: chr5-13777251-T-C. GRCh37 (hg19) VCF-style: chr5-13777360-T-C.
Other names: short protein forms K3019R.
Identifiers: ClinVar variation 2753868 (VCV002753868.3), dbSNP rs1754228264, ClinGen allele CA359210612.